The following is an entry in ClinVar:

NM_003721.4(RFXANK):c.169A>G (p.Ser57Gly)

Gene: RFXANK (regulatory factor X associated ankyrin containing protein; plus strand). Cytogenetic location: 19p13.11.
Variant type: single nucleotide variant.
Coding change: c.169A>G on transcript NM_003721.4 (MANE Select); coding-DNA position 169, A replaced by G.
Protein change: p.Ser57Gly; replaces serine 57 with glycine.
Molecular consequence: missense variant.
Genome position (GRCh38, 1-based): chr19:19,194,115, A>G. VCF-style: chr19-19194115-A-G. GRCh37 (hg19) VCF-style: chr19-19304924-A-G.
Other names: c.169A>G, p.Ser57Gly (NM_001278727.2, NM_001278728.2, NM_001370233.1 and 6 more transcripts); short protein forms S57G.
Identifiers: ClinVar variation 2711450 (VCV002711450.3), dbSNP rs1307452669, ClinGen allele CA404890168.
Genomic context (GRCh38, chr19:19,194,115, plus strand): 5'-ACTGTGGTCCTCAGTCTCTTTCCCTGCACCCCTGAGCCTGTGAATCCTGAACCGGATGCC[A>G]GTGTTTCCTCTCCACAGGGTAGGATACCTCCTCTGGGATTAGCCCTCTGGGATTCCATGA-3'
Protein context (NP_003712.1, residues 47-67): PEPVNPEPDA[Ser57Gly]VSSPQAGSSL

ClinVar aggregate classification (germline): Uncertain significance (1 of 4 stars; one submission).

Conditions:
MHC class II deficiency. Also called: Bare lymphocyte syndrome 2; BLS, TYPE II. Identifiers: Orphanet 572, MedGen C5447452, MONDO:0008855.

Allele frequency attached by ClinVar (database versions not stated): gnomAD exomes 0.00001.
gnomAD v4.1: 20 of 1,614,186 alleles (0.0012%); highest among the groups gnomAD compares: Non-Finnish European, 0.0017%; no homozygotes.

Submission:

Labcorp Genetics (formerly Invitae), Labcorp
Classification: Uncertain significance for MHC class II deficiency. Last evaluated: 2026-01-19. Review status: criteria provided, single submitter. Criteria: Invitae Variant Classification Sherloc (09022015). Collection method: clinical testing. Allele origin: germline.
Comment: This sequence change replaces serine, which is neutral and polar, with glycine, which is neutral and non-polar, at codon 57 of the RFXANK protein (p.Ser57Gly). This variant is present in population databases (no rsID available, gnomAD 0.0009%). This variant has not been reported in the literature in individuals affected with RFXANK-related conditions. ClinVar contains an entry for this variant (Variation ID: 2711450). Invitae Evidence Modeling of protein sequence and biophysical properties (such as structural, functional, and spatial information, amino acid conservation, physicochemical variation, residue mobility, and thermodynamic stability) indicates that this missense variant is not expected to disrupt RFXANK protein function with a negative predictive value of 80%. In summary, the available evidence is currently insufficient to determine the role of this variant in disease. Therefore, it has been classified as a Variant of Uncertain Significance.